The following is an entry in ClinVar:

ClinVar aggregate classification (germline): Uncertain significance (1 of 4 stars; one submission).

Conditions:
Aortic aneurysm, familial thoracic 7 (AAT7). Also called: AORTIC DISSECTION, FAMILIAL, WITH OR WITHOUT AORTIC ANEURYSM. Identifiers: MedGen C3151077, MONDO:0013418, OMIM 613780.

Allele frequency attached by ClinVar (database versions not stated): gnomAD exomes below 0.00001; ExAC 0.00001; gnomAD 0.00001; 1000 Genomes Project 30x 0.00016; 1000 Genomes Project 0.00020.
gnomAD v4.1: 2 of 1,613,178 alleles (0.00012%); highest among the groups gnomAD compares: Admixed American, 0.0033%; no homozygotes.

Submission:

Labcorp Genetics (formerly Invitae), Labcorp
Classification: Uncertain significance for Aortic aneurysm, familial thoracic 7. Last evaluated: 2023-11-21. Review status: criteria provided, single submitter. Criteria: Invitae Variant Classification Sherloc (09022015). Collection method: clinical testing. Allele origin: germline.
Comment: This sequence change replaces glycine, which is neutral and non-polar, with arginine, which is basic and polar, at codon 986 of the MYLK protein (p.Gly986Arg). This variant is not present in population databases (gnomAD no frequency). This variant has not been reported in the literature in individuals affected with MYLK-related conditions. Advanced modeling of protein sequence and biophysical properties (such as structural, functional, and spatial information, amino acid conservation, physicochemical variation, residue mobility, and thermodynamic stability) performed at Invitae indicates that this missense variant is not expected to disrupt MYLK protein function with a negative predictive value of 80%. In summary, the available evidence is currently insufficient to determine the role of this variant in disease. Therefore, it has been classified as a Variant of Uncertain Significance.

NM_053025.4(MYLK):c.2956G>C (p.Gly986Arg)

Gene: MYLK (myosin light chain kinase; minus strand). Cytogenetic location: 3q21.1.
Variant type: single nucleotide variant.
Coding change: c.2956G>C on transcript NM_053025.4 (MANE Select); coding-DNA position 2956, G replaced by C.
Protein change: p.Gly986Arg; replaces glycine 986 with arginine.
Molecular consequence: missense variant.
Genome position (GRCh38, 1-based): chr3:123,700,512, C>G on the plus strand (G>C on the coding strand, the complement: MYLK is on the minus strand). VCF-style: chr3-123700512-C-G. GRCh37 (hg19) VCF-style: chr3-123419359-C-G.
Other names: c.2428G>C, p.Gly810Arg (NM_001321309.2); c.2749G>C, p.Gly917Arg (NM_053026.4, NM_053028.4); c.2956G>C, p.Gly986Arg (NM_053027.4); short protein forms G917R, G810R, G986R.
Identifiers: ClinVar variation 2859414 (VCV002859414.3), dbSNP rs199729674, ClinGen allele CA069184.